The following is an entry in ClinVar:

ClinVar aggregate classification (germline): Uncertain significance (1 of 4 stars; one submission).

Allele frequency attached by ClinVar (database versions not stated): gnomAD exomes below 0.00001.
gnomAD v4.1: 4 of 1,614,148 alleles (0.00025%); highest among the groups gnomAD compares: Non-Finnish European, 0.00025%; no homozygotes.

Submission:

Labcorp Genetics (formerly Invitae), Labcorp
Classification: Uncertain significance. Last evaluated: 2022-11-04. Review status: criteria provided, single submitter. Criteria: Invitae Variant Classification Sherloc (09022015). Collection method: clinical testing. Allele origin: germline.
Comment: This sequence change replaces proline, which is neutral and non-polar, with threonine, which is neutral and polar, at codon 279 of the BACH2 protein (p.Pro279Thr). This variant is not present in population databases (gnomAD no frequency). This variant has not been reported in the literature in individuals affected with BACH2-related conditions. Advanced modeling of protein sequence and biophysical properties (such as structural, functional, and spatial information, amino acid conservation, physicochemical variation, residue mobility, and thermodynamic stability) performed at Invitae indicates that this missense variant is not expected to disrupt BACH2 protein function. In summary, the available evidence is currently insufficient to determine the role of this variant in disease. Therefore, it has been classified as a Variant of Uncertain Significance.

NM_021813.4(BACH2):c.835C>A (p.Pro279Thr)

Gene: BACH2 (BACH transcriptional regulator 2; minus strand). Cytogenetic location: 6q15.
Variant type: single nucleotide variant.
Coding change: c.835C>A on transcript NM_021813.4 (MANE Select); coding-DNA position 835, C replaced by A.
Protein change: p.Pro279Thr; replaces proline 279 with threonine.
Molecular consequence: missense variant.
Genome position (GRCh38, 1-based): chr6:89,951,271, G>T on the plus strand (C>A on the coding strand, the complement: BACH2 is on the minus strand). VCF-style: chr6-89951271-G-T. GRCh37 (hg19) VCF-style: chr6-90660990-G-T.
Other names: c.835C>A, p.Pro279Thr (NM_001170794.2); short protein forms P279T.
Identifiers: ClinVar variation 2812166 (VCV002812166.3), dbSNP rs1009389283, ClinGen allele CA143342188.